The following is an entry in ClinVar:

ClinVar aggregate classification (germline): Uncertain significance (1 of 4 stars; one submission).

Conditions:
DNA ligase IV deficiency. Identifiers: Orphanet 99812, MedGen C1847827, MONDO:0011686, OMIM 606593.

Allele frequency attached by ClinVar (database versions not stated): TOPMed below 0.00001.

Submission:

Labcorp Genetics (formerly Invitae), Labcorp
Classification: Uncertain significance for DNA ligase IV deficiency. Last evaluated: 2022-08-15. Review status: criteria provided, single submitter. Criteria: Invitae Variant Classification Sherloc (09022015). Collection method: clinical testing. Allele origin: germline.
Comment: This sequence change replaces proline, which is neutral and non-polar, with serine, which is neutral and polar, at codon 647 of the LIG4 protein (p.Pro647Ser). This variant is not present in population databases (gnomAD no frequency). This variant has not been reported in the literature in individuals affected with LIG4-related conditions. ClinVar contains an entry for this variant (Variation ID: 1012117). Algorithms developed to predict the effect of missense changes on protein structure and function (SIFT, PolyPhen-2, Align-GVGD) all suggest that this variant is likely to be tolerated. In summary, the available evidence is currently insufficient to determine the role of this variant in disease. Therefore, it has been classified as a Variant of Uncertain Significance.

NM_206937.2(LIG4):c.1939C>T (p.Pro647Ser)

Gene: LIG4 (DNA ligase 4; minus strand). Cytogenetic location: 13q33.3.
Variant type: single nucleotide variant.
Coding change: c.1939C>T on transcript NM_206937.2 (MANE Select); coding-DNA position 1939, C replaced by T.
Protein change: p.Pro647Ser; replaces proline 647 with serine.
Molecular consequence: missense variant.
Genome position (GRCh38, 1-based): chr13:108,209,330, G>A on the plus strand (C>T on the coding strand, the complement: LIG4 is on the minus strand). VCF-style: chr13-108209330-G-A. GRCh37 (hg19) VCF-style: chr13-108861678-G-A.
Other names: c.1939C>T, p.Pro647Ser (NM_001098268.2, NM_001352598.2, NM_001352599.2 and 6 more transcripts); c.1738C>T, p.Pro580Ser (NM_001330595.2); c.1975C>T, p.Pro659Ser (NM_001352604.2); short protein forms P580S, P647S, P659S.
Identifiers: ClinVar variation 1012117 (VCV001012117.6), dbSNP rs1035346047, ClinGen allele CA256180357.